The following is an entry in ClinVar:

NM_002485.5(NBN):c.415A>G (p.Thr139Ala)

Gene: NBN (nibrin; minus strand). Cytogenetic location: 8q21.3.
Variant type: single nucleotide variant.
Coding change: c.415A>G on transcript NM_002485.5 (MANE Select); coding-DNA position 415, A replaced by G.
Protein change: p.Thr139Ala; replaces threonine 139 with alanine.
Molecular consequence: missense variant.
Genome position (GRCh38, 1-based): chr8:89,980,799, T>C on the plus strand (A>G on the coding strand, the complement: NBN is on the minus strand). VCF-style: chr8-89980799-T-C. GRCh37 (hg19) VCF-style: chr8-90993027-T-C.
Other names: NP_002476.2:p.Thr139Ala; c.169A>G, p.Thr57Ala (NM_001024688.3); short protein forms T139A, T57A.
Identifiers: ClinVar variation 185980 (VCV000185980.34), dbSNP rs543852763, ClinGen allele CA193554.

ClinVar aggregate classification (germline): Conflicting classifications of pathogenicity. Review status: criteria provided, conflicting classifications (1 of 4 stars). 8 submissions from 8 submitters: Uncertain significance (1); Likely benign (5). 2 of the submissions do not count toward it. Last evaluated 2026-01-14.

Conditions:
NBN-related disorder. Also called: NBN-related condition.
Hereditary cancer-predisposing syndrome. Also called: Neoplastic Syndromes, Hereditary; Tumor predisposition; Hereditary neoplastic syndrome; Hereditary Cancer Syndrome. Identifiers: Orphanet 140162, MedGen C0027672, MeSH D009386, MONDO:0015356.
Hereditary breast ovarian cancer syndrome. Also called: Hereditary breast and/or ovarian cancer syndrome; Hereditary breast and ovarian cancer syndrome; Hereditary breast and ovarian cancer; Hereditary breast and ovarian cancer syndrome (HBOC); Breast and ovarian cancer; BRCA1- and BRCA2-Associated Hereditary Breast and Ovarian Cancer. Identifiers: Orphanet 145, MedGen C0677776, MeSH D061325, MONDO:0003582. Disease mechanism: loss of function.
Microcephaly, normal intelligence and immunodeficiency (NBS). Also called: Immunodeficiency, microcephaly with normal intelligence; IMMUNODEFICIENCY, MICROCEPHALY, AND CHROMOSOMAL INSTABILITY; Ataxia telangiectasia variant V1; Nijmegen breakage syndrome; Microcephaly with normal intelligence immunodeficiency and lymphoreticular malignancies; Nonsyndromal microcephaly autosomal recessive with normal intelligence. Identifiers: Orphanet 647, MedGen C0398791, MONDO:0009623, OMIM 251260.

Allele frequency attached by ClinVar (database versions not stated): gnomAD 0.00001 and 0.00007; TOPMed 0.00002; gnomAD exomes 0.00012 and 0.00034; ExAC 0.00041; 1000 Genomes Project 30x 0.00062; 1000 Genomes Project 0.00080.
gnomAD v4.1: 203 of 1,613,582 alleles (0.013%); highest among the groups gnomAD compares: South Asian, 0.2%; 3 homozygotes.

Submissions (8):

Labcorp Genetics (formerly Invitae), Labcorp
Classification: Likely benign for Microcephaly, normal intelligence and immunodeficiency. Last evaluated: 2026-01-14. Review status: criteria provided, single submitter. Criteria: Invitae Variant Classification Sherloc (09022015). Collection method: clinical testing. Allele origin: germline.

PreventionGenetics, part of Exact Sciences
Classification: Likely benign for NBN-related condition. Last evaluated: 2024-12-02. Review status: criteria provided, single submitter. Criteria: ACMG Guidelines, 2015. Collection method: clinical testing. Allele origin: germline.
Comment: This variant is classified as likely benign based on ACMG/AMP sequence variant interpretation guidelines (Richards et al. 2015 PMID: 25741868, with internal and published modifications).

National Health Laboratory Service, Universitas Academic Hospital and University of the Free State
Classification: Uncertain significance for Hereditary breast ovarian cancer syndrome. Last evaluated: 2022-04-19. Review status: criteria provided, single submitter. Criteria: ACMG Guidelines, 2015. Collection method: clinical testing. Allele origin: germline. Affected: yes. Observed: 1 variant allele.

Sema4
Classification: Likely benign for Hereditary cancer-predisposing syndrome. Last evaluated: 2021-10-04. Review status: criteria provided, single submitter. Criteria: Sema4 Curation Guidelines. Collection method: curation. Allele origin: germline.

GeneDx
Classification: Likely benign. Last evaluated: 2020-12-03. Review status: criteria provided, single submitter. Criteria: GeneDx Variant Classification Process June 2021. Collection method: clinical testing. Allele origin: germline. Affected: yes.
Comment: This variant is associated with the following publications: (PMID: 28135145, 27997549)

Ambry Genetics
Classification: Likely benign for Hereditary cancer-predisposing syndrome. Last evaluated: 2019-01-04. Review status: criteria provided, single submitter. Criteria: Ambry Variant Classification Scheme 2023. Collection method: clinical testing. Allele origin: germline.

Natera, Inc.
Classification: Likely benign for Nijmegen breakage syndrome. Last evaluated: 2020-03-15. Review status: no assertion criteria provided. Collection method: clinical testing. Allele origin: germline. Not counted in ClinVar's aggregate classification.

Counsyl
Classification: Likely benign for Microcephaly, normal intelligence and immunodeficiency. Last evaluated: 2018-04-23. Review status: no assertion criteria provided. Collection method: clinical testing. Allele origin: unknown. Not counted in ClinVar's aggregate classification.